The following is an entry in ClinVar:

ClinVar aggregate classification (germline): Likely pathogenic (1 of 4 stars; one submission).

Submission:

Labcorp Genetics (formerly Invitae), Labcorp
Classification: Likely pathogenic. Last evaluated: 2022-09-13. Review status: criteria provided, single submitter. Criteria: Invitae Variant Classification Sherloc (09022015). Collection method: clinical testing. Allele origin: germline.
Comment: This variant is not present in population databases (gnomAD no frequency). This variant has not been reported in the literature in individuals affected with IFNAR1-related conditions. Algorithms developed to predict the effect of sequence changes on RNA splicing suggest that this variant may disrupt the consensus splice site. In summary, the currently available evidence indicates that the variant is pathogenic, but additional data are needed to prove that conclusively. Therefore, this variant has been classified as Likely Pathogenic. This sequence change affects a splice site in intron 7 of the IFNAR1 gene. It is expected to disrupt RNA splicing. Variants that disrupt the donor or acceptor splice site typically lead to a loss of protein function (PMID: 16199547), and loss-of-function variants in IFNAR1 are known to be pathogenic (PMID: 31270247, 32960813).

Literature cited by the submitters: PubMed 16199547; PubMed 31270247; PubMed 32960813.

NM_000629.3(IFNAR1):c.988+2_988+6del

Gene: IFNAR1 (interferon alpha and beta receptor subunit 1; plus strand). Cytogenetic location: 21q22.11.
Variant type: Deletion.
Coding change: c.988+2_988+6del on transcript NM_000629.3 (MANE Select); the canonical splice donor site of the intron after coding-DNA position 988 through 6 bases into the intron after coding-DNA position 988, 5 bases deleted (TAAGG; older notation c.988+2_988+6delTAAGG).
Molecular consequence: splice donor variant.
Genome position (GRCh38, 1-based): chr21:33,349,292-33,349,296, TAAGG deleted; deleting any 5 consecutive bases within chr21:33,349,288-33,349,296 gives the same sequence; the c. name uses the placement nearest the transcript's 3' end. VCF-style (leftmost placement, unchanged base first): chr21-33349287-CAAGGT-C. GRCh37 (hg19) VCF-style: chr21-34721593-CAAGGT-C.
Other names: c.781+2_781+6del (NM_001384504.1); c.226+2_226+6del (NM_001384500.1); c.988+2_988+6del (NM_001384498.1, NM_001384503.1, NM_001384499.1); c.973+2_973+6del (NM_001384501.1); c.526+2_526+6del (NM_001384502.1).
Identifiers: ClinVar variation 1971552 (VCV001971552.5), dbSNP rs2516881002, ClinGen allele CA2580098591.